The following is an entry in ClinVar:

ClinVar aggregate classification (germline): Uncertain significance. Review status: criteria provided, multiple submitters, no conflicts (2 of 4 stars). 6 submissions from 6 submitters: Uncertain significance (5). 1 of the submissions does not count toward it. Last evaluated 2024-07-30.

Conditions:
Hereditary cancer-predisposing syndrome. Also called: Tumor predisposition; Neoplastic Syndromes, Hereditary; Hereditary Cancer Syndrome; Hereditary neoplastic syndrome. Identifiers: Orphanet 140162, MedGen C0027672, MeSH D009386, MONDO:0015356.
Ataxia-telangiectasia syndrome (AT). Also called: Ataxia-telangiectasia, complementation group D; AT, COMPLEMENTATION GROUP C; ATAXIA-TELANGIECTASIA, COMPLEMENTATION GROUP A; ATAXIA-TELANGIECTASIA, FRESNO VARIANT; LOUIS-BAR SYNDROME; Cerebello-oculocutaneous telangiectasia. Identifiers: Orphanet 100, MedGen C0004135, MONDO:0008840, OMIM 208900.

Submissions (6):

Labcorp Genetics (formerly Invitae), Labcorp
Classification: Uncertain significance for Ataxia-telangiectasia syndrome. Last evaluated: 2024-07-30. Review status: criteria provided, single submitter. Criteria: Invitae Variant Classification Sherloc (09022015). Collection method: clinical testing. Allele origin: germline.
Comment: This variant, c.3703_3708del, results in the deletion of 2 amino acid(s) of the ATM protein (p.Pro1235_Phe1236del), but otherwise preserves the integrity of the reading frame. This variant is not present in population databases (gnomAD no frequency). This variant has not been reported in the literature in individuals affected with ATM-related conditions. ClinVar contains an entry for this variant (Variation ID: 636707). Experimental studies and prediction algorithms are not available or were not evaluated, and the functional significance of this variant is currently unknown. In summary, the available evidence is currently insufficient to determine the role of this variant in disease. Therefore, it has been classified as a Variant of Uncertain Significance.

Color Diagnostics, LLC DBA Color Health
Classification: Uncertain significance for Hereditary cancer-predisposing syndrome. Last evaluated: 2021-07-07. Review status: criteria provided, single submitter. Criteria: ACMG Guidelines, 2015. Collection method: clinical testing. Allele origin: germline.
Comment: This variant deletes two amino acids at codon 1235 and 1236 of the ATM protein. To our knowledge, functional studies have not been reported for this variant. This variant has not been reported in individuals affected with hereditary cancer in the literature. This variant has not been identified in the general population by the Genome Aggregation Database (gnomAD). The available evidence is insufficient to determine the role of this variant in disease conclusively. Therefore, this variant is classified as a Variant of Uncertain Significance.

Ambry Genetics
Classification: Uncertain significance for Hereditary cancer-predisposing syndrome. Last evaluated: 2021-06-01. Review status: criteria provided, single submitter. Criteria: Ambry Variant Classification Scheme 2023. Collection method: clinical testing. Allele origin: germline.
Comment: The c.3703_3708delCCTTTT variant (also known as p.P1235_F1236del) is located in coding exon 24 of the ATM gene. This variant results from an in-frame CCTTTT deletion at nucleotide positions 3703 to 3708 causing the removal of 2 amino acids at codons 1235-1236. These amino acid positions are well conserved in available vertebrate species. In addition, this alteration is predicted to be deleterious by in silico analysis (Choi Y et al. PLoS ONE. 2012; 7(10):e46688). Since supporting evidence is limited at this time, the clinical significance of this alteration remains unclear.

GeneDx
Classification: Uncertain significance. Last evaluated: 2020-09-30. Review status: criteria provided, single submitter. Criteria: GeneDx Variant Classification Process June 2021. Collection method: clinical testing. Allele origin: germline. Affected: yes.
Comment: In-frame deletion of two amino acids in a non-repeat region; Not observed in large population cohorts (Lek 2016); In silico analysis supports a deleterious effect on protein structure/function; Has not been previously published as pathogenic or benign to our knowledge

Blueprint Genetics
Classification: Uncertain significance. Last evaluated: 2018-07-05. Review status: criteria provided, single submitter. Criteria: ACMG Guidelines, 2015. Collection method: clinical testing. Allele origin: germline.

Natera, Inc.
Classification: Uncertain significance for Ataxia-telangiectasia. Last evaluated: 2021-05-24. Review status: no assertion criteria provided. Collection method: clinical testing. Allele origin: germline. Not counted in ClinVar's aggregate classification.

NM_000051.4(ATM):c.3703_3708del (p.Pro1235_Phe1236del)

Gene: ATM (ATM serine/threonine kinase; plus strand). Cytogenetic location: 11q22.3.
Variant type: Deletion.
Coding change: c.3703_3708del on transcript NM_000051.4 (MANE Select); coding-DNA positions 3703 to 3708, 6 bases deleted (CCTTTT; older notation c.3703_3708delCCTTTT).
Protein change: p.Pro1235_Phe1236del.
Molecular consequence: inframe deletion.
Genome position (GRCh38, 1-based): chr11:108,282,836-108,282,841, CCTTTT deleted; deleting any 6 consecutive bases within chr11:108,282,831-108,282,841 gives the same sequence; the c. name uses the placement nearest the transcript's 3' end. VCF-style (leftmost placement, unchanged base first): chr11-108282830-TCTTTTC-T. GRCh37 (hg19) VCF-style: chr11-108153557-TCTTTTC-T.
Other names: c.3703_3708del, p.Pro1235_Phe1236del (NM_001351834.2); c.3703_3708delCCTTTT (NM_000051.3).
Identifiers: ClinVar variation 636707 (VCV000636707.22), dbSNP rs1591641635, ClinGen allele CA915944401.